The following is an entry in ClinVar:

ClinVar aggregate classification (germline): Uncertain significance. Review status: criteria provided, multiple submitters, no conflicts (2 of 4 stars). 2 submissions from 2 submitters: Uncertain significance (2). Last evaluated 2024-05-14.

Conditions:
Smith-Lemli-Opitz syndrome (SLOS). Also called: RSH SYNDROME; RUTLEDGE LETHAL MULTIPLE CONGENITAL ANOMALY SYNDROME; 7-Dehydrocholesterol reductase deficiency; LETHAL ACRODYSGENITAL SYNDROME; POLYDACTYLY, SEX REVERSAL, RENAL HYPOPLASIA, AND UNILOBAR LUNG. Identifiers: Orphanet 818, MedGen C0175694, MONDO:0010035, OMIM 270400.

Allele frequency attached by ClinVar (database versions not stated): TOPMed 0.00001; gnomAD 0.00002; gnomAD exomes 0.00002; ExAC 0.00003.
gnomAD v4.1: 32 of 1,613,014 alleles (0.002%); highest among the groups gnomAD compares: Admixed American, 0.0083%; no homozygotes.

Submissions (2):

Fulgent Genetics
Classification: Uncertain significance for Smith-Lemli-Opitz syndrome. Last evaluated: 2024-05-14. Review status: criteria provided, single submitter. Criteria: ACMG Guidelines, 2015. Collection method: clinical testing. Allele origin: germline.

Labcorp Genetics (formerly Invitae), Labcorp
Classification: Uncertain significance for Smith-Lemli-Opitz syndrome. Last evaluated: 2022-10-03. Review status: criteria provided, single submitter. Criteria: Invitae Variant Classification Sherloc (09022015). Collection method: clinical testing. Allele origin: germline.
Comment: This sequence change replaces isoleucine, which is neutral and non-polar, with valine, which is neutral and non-polar, at codon 279 of the DHCR7 protein (p.Ile279Val). This variant is present in population databases (rs752010614, gnomAD 0.01%). This variant has not been reported in the literature in individuals affected with DHCR7-related conditions. Algorithms developed to predict the effect of missense changes on protein structure and function (SIFT, PolyPhen-2, Align-GVGD) all suggest that this variant is likely to be tolerated. In summary, the available evidence is currently insufficient to determine the role of this variant in disease. Therefore, it has been classified as a Variant of Uncertain Significance.

NM_001360.3(DHCR7):c.835A>G (p.Ile279Val)

Gene: DHCR7 (7-dehydrocholesterol reductase; minus strand). Cytogenetic location: 11q13.4.
Variant type: single nucleotide variant.
Coding change: c.835A>G on transcript NM_001360.3 (MANE Select); coding-DNA position 835, A replaced by G.
Protein change: p.Ile279Val; replaces isoleucine 279 with valine.
Molecular consequence: missense variant.
Genome position (GRCh38, 1-based): chr11:71,437,940, T>C on the plus strand (A>G on the coding strand, the complement: DHCR7 is on the minus strand). VCF-style: chr11-71437940-T-C. GRCh37 (hg19) VCF-style: chr11-71148986-T-C.
Other names: c.835A>G, p.Ile279Val (NM_001163817.2); short protein forms I279V.
Identifiers: ClinVar variation 2071978 (VCV002071978.2), dbSNP rs752010614, ClinGen allele CA6162417.